The following is an entry in ClinVar:

NM_000088.4(COL1A1):c.1876-3C>T

Gene: COL1A1 (collagen type I alpha 1 chain; minus strand). Cytogenetic location: 17q21.33.
Variant type: single nucleotide variant.
Coding change: c.1876-3C>T on transcript NM_000088.4 (MANE Select); 3 bases into the intron before coding-DNA position 1876, C replaced by T.
Molecular consequence: intron variant.
Genome position (GRCh38, 1-based): chr17:50,192,696, G>A on the plus strand (C>T on the coding strand, the complement: COL1A1 is on the minus strand). VCF-style: chr17-50192696-G-A. GRCh37 (hg19) VCF-style: chr17-48270057-G-A.
Other names: c.1876-3C>T (NM_000088.3).
Identifiers: ClinVar variation 999592 (VCV000999592.9), dbSNP rs989802421, ClinGen allele CA291544309.

ClinVar aggregate classification (germline): Uncertain significance. Review status: criteria provided, multiple submitters, no conflicts (2 of 4 stars). 2 submissions from 2 submitters: Uncertain significance (2). Last evaluated 2025-01-14.

Conditions:
Cardiovascular phenotype. Identifiers: MedGen CN230736.
Osteogenesis imperfecta type I (OI1). Also called: Lobstein disease; Classic Non-deforming Osteogenesis Imperfecta with Blue Sclerae; OI, TYPE I; OSTEOGENESIS IMPERFECTA TARDA; OSTEOGENESIS IMPERFECTA WITH BLUE SCLERAE; Osteogenesis imperfecta type 1. Identifiers: Orphanet 216796, Orphanet 666, MedGen C0023931, MONDO:0008146, OMIM 166200. Disease mechanism: loss of function.

Allele frequency attached by ClinVar (database versions not stated): gnomAD 0.00001; gnomAD exomes 0.00001; TOPMed 0.00002.
gnomAD v4.1: 13 of 1,614,120 alleles (0.00081%); highest among the groups gnomAD compares: Non-Finnish European, 0.00093%; no homozygotes.

Submissions (2):

Ambry Genetics
Classification: Uncertain significance for Cardiovascular phenotype. Last evaluated: 2025-01-14. Review status: criteria provided, single submitter. Criteria: Ambry Variant Classification Scheme 2023. Collection method: clinical testing. Allele origin: germline.
Comment: The c.1876-3C>T intronic alteration results from a C to T substitution 3 nucleotides before coding exon 28 of the COL1A1 gene. This variant was not reported in population-based cohorts in the Genome Aggregation Database (gnomAD). This nucleotide position is not well conserved in available vertebrate species. In silico splice site analysis predicts that this alteration will not have any significant effect on splicing. Based on insufficient or conflicting evidence, the clinical significance of this alteration remains unclear.

Labcorp Genetics (formerly Invitae), Labcorp
Classification: Uncertain significance for Osteogenesis imperfecta type I. Last evaluated: 2024-10-18. Review status: criteria provided, single submitter. Criteria: Invitae Variant Classification Sherloc (09022015). Collection method: clinical testing. Allele origin: germline.
Comment: This sequence change falls in intron 27 of the COL1A1 gene. It does not directly change the encoded amino acid sequence of the COL1A1 protein. It affects a nucleotide within the consensus splice site. This variant is not present in population databases (gnomAD no frequency). This variant has not been reported in the literature in individuals affected with COL1A1-related conditions. ClinVar contains an entry for this variant (Variation ID: 999592). Variants that disrupt the consensus splice site are a relatively common cause of aberrant splicing (PMID: 17576681, 9536098). Algorithms developed to predict the effect of sequence changes on RNA splicing suggest that this variant is not likely to affect RNA splicing. In summary, the available evidence is currently insufficient to determine the role of this variant in disease. Therefore, it has been classified as a Variant of Uncertain Significance.

Literature cited by the submitters: PubMed 17576681 (cited by Labcorp Genetics (formerly Invitae), Labcorp); PubMed 9536098 (cited by Labcorp Genetics (formerly Invitae), Labcorp).